The following is an entry in ClinVar:

NM_001211.6(BUB1B):c.1255G>T (p.Val419Phe)

Gene: BUB1B (BUB1 mitotic checkpoint serine/threonine kinase B; plus strand). Cytogenetic location: 15q15.1.
Variant type: single nucleotide variant.
Coding change: c.1255G>T on transcript NM_001211.6 (MANE Select); coding-DNA position 1255, G replaced by T.
Protein change: p.Val419Phe; replaces valine 419 with phenylalanine.
Molecular consequence: missense variant.
Genome position (GRCh38, 1-based): chr15:40,196,741, G>T. VCF-style: chr15-40196741-G-T. GRCh37 (hg19) VCF-style: chr15-40488942-G-T.
Other names: short protein forms V419F.
Identifiers: ClinVar variation 854316 (VCV000854316.13), dbSNP rs2037503291, ClinGen allele CA391687679.

ClinVar aggregate classification (germline): Uncertain significance. Review status: criteria provided, multiple submitters, no conflicts (2 of 4 stars). 2 submissions from 2 submitters: Uncertain significance (2). Last evaluated 2025-05-18.

Conditions:
Mosaic variegated aneuploidy syndrome 1 (MVA1). Also called: Warburton-Anyane-Yeboa syndrome. Identifiers: Orphanet 1052, MedGen C1850343, MONDO:0009759, OMIM 257300.
Inborn genetic diseases. Identifiers: MedGen C0950123, MeSH D030342.

Allele frequency attached by ClinVar (database versions not stated): gnomAD exomes below 0.00001.
gnomAD v4.1: 1 of 1,614,010 alleles (0.000062%); highest among the groups gnomAD compares: Non-Finnish European, 0.000085%; no homozygotes.

Submissions (2):

Labcorp Genetics (formerly Invitae), Labcorp
Classification: Uncertain significance for Mosaic variegated aneuploidy syndrome 1. Last evaluated: 2025-05-18. Review status: criteria provided, single submitter. Criteria: Invitae Variant Classification Sherloc (09022015). Collection method: clinical testing. Allele origin: germline.
Comment: This sequence change replaces valine, which is neutral and non-polar, with phenylalanine, which is neutral and non-polar, at codon 419 of the BUB1B protein (p.Val419Phe). This variant is not present in population databases (gnomAD no frequency). This variant has not been reported in the literature in individuals affected with BUB1B-related conditions. ClinVar contains an entry for this variant (Variation ID: 854316). An algorithm developed to predict the effect of missense changes on protein structure and function (PolyPhen-2) suggests that this variant is likely to be disruptive. In summary, the available evidence is currently insufficient to determine the role of this variant in disease. Therefore, it has been classified as a Variant of Uncertain Significance.

Ambry Genetics
Classification: Uncertain significance for Inborn genetic diseases. Last evaluated: 2022-07-19. Review status: criteria provided, single submitter. Criteria: Ambry Variant Classification Scheme 2023. Collection method: clinical testing. Allele origin: germline.
Comment: The p.V419F variant (also known as c.1255G>T), located in coding exon 9 of the BUB1B gene, results from a G to T substitution at nucleotide position 1255. The valine at codon 419 is replaced by phenylalanine, an amino acid with highly similar properties. This amino acid position is conserved. In addition, this alteration is predicted to be tolerated by in silico analysis. Since supporting evidence is limited at this time, the clinical significance of this alteration remains unclear.